The following is an entry in ClinVar:

ClinVar aggregate classification (germline): Uncertain significance (1 of 4 stars; one submission).

Conditions:
Hereditary pancreatitis (PCTT). Also called: Hereditary chronic pancreatitis; PRSS1-Related Hereditary Pancreatitis. Identifiers: Orphanet 676, MedGen C0238339, MONDO:0008185, OMIM 167800.

Submission:

Ambry Genetics
Classification: Uncertain significance for Hereditary pancreatitis. Last evaluated: 2024-11-15. Review status: criteria provided, single submitter. Criteria: Ambry Variant Classification Scheme 2023. Collection method: clinical testing. Allele origin: germline.
Comment: The p.D135V variant (also known as c.404A>T), located in coding exon 5 of the CTRC gene, results from an A to T substitution at nucleotide position 404. The aspartic acid at codon 135 is replaced by valine, an amino acid with highly dissimilar properties. This amino acid position is conserved. In addition, the in silico prediction for this alteration is inconclusive. Based on the available evidence, the clinical significance of this variant remains unclear.

NM_007272.3(CTRC):c.404A>T (p.Asp135Val)

Gene: CTRC (chymotrypsin C; plus strand). Cytogenetic location: 1p36.21.
Variant type: single nucleotide variant.
Coding change: c.404A>T on transcript NM_007272.3 (MANE Select); coding-DNA position 404, A replaced by T.
Protein change: p.Asp135Val; replaces aspartic acid 135 with valine.
Molecular consequence: missense variant.
Genome position (GRCh38, 1-based): chr1:15,443,466, A>T. VCF-style: chr1-15443466-A-T. GRCh37 (hg19) VCF-style: chr1-15769961-A-T.
Other names: short protein forms D135V.
Identifiers: ClinVar variation 3498413 (VCV003498413.1).